The following is an entry in ClinVar:

ClinVar aggregate classification (germline): Pathogenic (1 of 4 stars; one submission).

Conditions:
Aniridia 1 (AN1). Identifiers: Orphanet 250923, MedGen C0344542, MONDO:0024507, OMIM 106210.

Submission:

Department of Ophthalmology, Graduate School of Medicine, The University of Osaka
Classification: Pathogenic for Aniridia 1. Last evaluated: 2026-07-08. Review status: criteria provided, single submitter. Criteria: ACMG Guidelines, 2015. Collection method: clinical testing. Allele origin: germline. Affected: yes. Observed: 1 variant allele.
Comment: This variant introduces a premature termination codon, predicted to result in nonsense-mediated mRNA decay and loss of function of PAX6 (PVS1).

NM_001368894.2(PAX6):c.694del (p.Thr232fs)

Gene: PAX6 (paired box 6; minus strand). Cytogenetic location: 11p13.
Variant type: Deletion.
Coding change: c.694del on transcript NM_001368894.2 (MANE Select); coding-DNA position 694, one base deleted (A; older notation c.694delA).
Protein change: p.Thr232fs; shifts the reading frame from threonine 232.
Molecular consequence: frameshift variant. On other transcripts: non-coding transcript variant (2).
Genome position (GRCh38, 1-based): chr11:31,794,660, T deleted on the plus strand (A on the coding strand, the reverse complement: PAX6 is on the minus strand). VCF-style (leftmost placement, unchanged base first): chr11-31794659-GT-G. GRCh37 (hg19) VCF-style: chr11-31816207-GT-G.
Other names: c.652del, p.Thr218fs (NM_000280.6, NM_001127612.3, NM_001258464.2 and 10 more transcripts); c.694del, p.Thr232fs (NM_001258462.3, NM_001258463.2, NM_001310158.2 and 6 more transcripts); c.244del, p.Thr82fs (NM_001310160.2, NM_001310161.3, NM_001368899.2 and 11 more transcripts); c.895del, p.Thr299fs (NM_001368910.2); c.697del, p.Thr233fs (NM_001368911.2); c.769del, p.Thr257fs (NM_001368918.2, NM_001368919.2); c.727del, p.Thr243fs (NM_001368920.2); c.493del, p.Thr165fs (NM_001368921.2, NM_001368922.2, NM_001368923.2 and 4 more transcripts); and 2 more; short protein forms T151fs, T165fs, T17fs, T218fs, T232fs, T233fs, T243fs, T257fs.
Identifiers: ClinVar variation 4871862 (VCV004871862.1).